The following is an entry in ClinVar:

ClinVar aggregate classification (germline): Conflicting classifications of pathogenicity. Review status: criteria provided, conflicting classifications (1 of 4 stars). 3 submissions from 3 submitters: Uncertain significance (2); Likely benign (1). Last evaluated 2025-02-08.

Conditions:
Inborn genetic diseases. Identifiers: MedGen C0950123, MeSH D030342.
Hypercalcemia, infantile, 1 (HCINF1). Identifiers: Orphanet 300547, MedGen CN031131, MONDO:0020739, OMIM 143880.

Allele frequency attached by ClinVar (database versions not stated): ExAC 0.00006; gnomAD exomes 0.00005; gnomAD 0.00008.
gnomAD v4.1: 87 of 1,614,086 alleles (0.0054%); highest among the groups gnomAD compares: South Asian, 0.021%; no homozygotes.

Submissions (3):

Ambry Genetics
Classification: Likely benign for Inborn genetic diseases. Last evaluated: 2025-02-08. Review status: criteria provided, single submitter. Criteria: Ambry Variant Classification Scheme 2023. Collection method: clinical testing. Allele origin: germline.

Fulgent Genetics
Classification: Uncertain significance for Hypercalcemia, infantile, 1. Last evaluated: 2024-05-10. Review status: criteria provided, single submitter. Criteria: ACMG Guidelines, 2015. Collection method: clinical testing. Allele origin: germline.

Labcorp Genetics (formerly Invitae), Labcorp
Classification: Uncertain significance. Last evaluated: 2023-06-17. Review status: criteria provided, single submitter. Criteria: Invitae Variant Classification Sherloc (09022015). Collection method: clinical testing. Allele origin: germline.
Comment: This variant has not been reported in the literature in individuals affected with CYP24A1-related conditions. ClinVar contains an entry for this variant (Variation ID: 1358313). Algorithms developed to predict the effect of missense changes on protein structure and function output the following: SIFT: "Not Available"; PolyPhen-2: "Benign"; Align-GVGD: "Not Available". The isoleucine amino acid residue is found in multiple mammalian species, which suggests that this missense change does not adversely affect protein function. In summary, the available evidence is currently insufficient to determine the role of this variant in disease. Therefore, it has been classified as a Variant of Uncertain Significance. This variant is present in population databases (rs770028088, gnomAD 0.02%). This sequence change replaces valine, which is neutral and non-polar, with isoleucine, which is neutral and non-polar, at codon 200 of the CYP24A1 protein (p.Val200Ile).

NM_000782.5(CYP24A1):c.598G>A (p.Val200Ile)

Gene: CYP24A1 (cytochrome P450 family 24 subfamily A member 1; minus strand). Cytogenetic location: 20q13.2.
Variant type: single nucleotide variant.
Coding change: c.598G>A on transcript NM_000782.5 (MANE Select); coding-DNA position 598, G replaced by A.
Protein change: p.Val200Ile; replaces valine 200 with isoleucine.
Molecular consequence: missense variant.
Genome position (GRCh38, 1-based): chr20:54,169,634, C>T on the plus strand (G>A on the coding strand, the complement: CYP24A1 is on the minus strand). VCF-style: chr20-54169634-C-T. GRCh37 (hg19) VCF-style: chr20-52786173-C-T.
Other names: c.598G>A, p.Val200Ile (NM_001128915.2); c.598G>A (NM_000782.4); short protein forms V200I.
Identifiers: ClinVar variation 1358313 (VCV001358313.10), dbSNP rs770028088, ClinGen allele CA9916080.
Genomic context (GRCh38, chr20:54,169,634, plus strand): 5'-TCTGTGACGACAACTTACTTTCAAACGACCATTTGTTCAGTTCGCTGTACAAGTCTTCAA[C>T]GTGGCCTCTTTCATCACAGAGCTCATCTATTCTGCCCATAAAATCGGCCAAGACCTTCAA-3'
Protein context (NP_000773.2, residues 190-210): IDELCDERGH[Val200Ile]EDLYSELNKW